The following is an entry in ClinVar:

ClinVar aggregate classification (germline): Uncertain significance (1 of 4 stars; one submission).

Submission:

GeneDx
Classification: Uncertain significance. Last evaluated: 2026-04-03. Review status: criteria provided, single submitter. Criteria: GeneDx Variant Classification Process June 2021. Collection method: clinical testing. Allele origin: germline.
Comment: Not observed at significant frequency in large population cohorts (gnomAD); In silico analysis suggests that this missense variant does not alter protein structure/function; Has not been previously published as pathogenic or benign to our knowledge

NM_001282531.3(ADNP):c.389C>T (p.Ala130Val)

Gene: ADNP (activity dependent neuroprotector homeobox; minus strand). Cytogenetic location: 20q13.13.
Variant type: single nucleotide variant.
Coding change: c.389C>T on transcript NM_001282531.3 (MANE Select); coding-DNA position 389, C replaced by T.
Protein change: p.Ala130Val; replaces alanine 130 with valine.
Molecular consequence: missense variant. On other transcripts: 5 prime UTR variant (1).
Genome position (GRCh38, 1-based): chr20:50,894,325, G>A on the plus strand (C>T on the coding strand, the complement: ADNP is on the minus strand). VCF-style: chr20-50894325-G-A. GRCh37 (hg19) VCF-style: chr20-49510862-G-A.
Other names: c.389C>T, p.Ala130Val (NM_001282532.2, NM_001347511.2, NM_015339.5 and 1 more transcripts); c.605C>T, p.Ala202Val (NM_001439000.1); c.-296C>T (NM_001439001.1); short protein forms A130V, A202V.
Identifiers: ClinVar variation 5016874 (VCV005016874.1).
Genomic context (GRCh38, chr20:50,894,325, plus strand): 5'-TCATTTTTGTTTTTATCTTTGAAAGTGCTGAGGCTGCTACTTGGTGCGCTGGCGTTCGGA[G>A]CATGAAATATTTTAATGTGTGTTTCCAAAGTCTTTTTGTCTGCATTGAAGGTACAGTAGG-3'
Protein context (NP_001269460.1, residues 120-140): TLETHIKIFH[Ala130Val]PNASAPSSSL